The following is an entry in ClinVar:

ClinVar aggregate classification (germline): Likely pathogenic (1 of 4 stars; one submission).

Conditions:
Spongy degeneration of central nervous system. Also called: ACY2 DEFICIENCY; AMINOACYLASE 2 DEFICIENCY; ASP DEFICIENCY; ASPA DEFICIENCY; ASPARTOACYLASE DEFICIENCY; CANAVAN-VAN BOGAERT-BERTRAND DISEASE. Identifiers: Orphanet 141, MedGen C0206307, MONDO:0010079, OMIM 271900.

gnomAD v4.1: 2 of 1,613,332 alleles (0.00012%); highest among the groups gnomAD compares: Non-Finnish European, 0.00017%; no homozygotes.

Submission:

Natera, Inc.
Classification: Likely pathogenic for Canavan Disease. Last evaluated: 2025-07-09. Review status: criteria provided, single submitter. Criteria: Natera Variant Classification Schema (03/2026). Collection method: clinical testing. Allele origin: germline.
Comment: The c.815T>C variant in ASPA is a missense variant predicted to cause substitution of leucine to proline at amino acid 272. This variant is rare in the general population with a frequency below the threshold expected for the associated phenotype(s). This variant has been observed in one or more individuals affected with the associated recessive disease, as either homozygous or compound heterozygous with a second variant (PMID: 38718669). This variant has been identified in one or more affected individuals with a phenotype highly consistent with the associated gene (PMID: 35187608). Computational prediction algorithms indicate this variant is likely to affect gene or protein function. Given the available evidence, this variant is classified as Likely Pathogenic.

Literature cited by the submitters: PubMed 38718669; PubMed 35187608.

NM_000049.4(ASPA):c.815T>C (p.Leu272Pro)

Genes: ASPA (aspartoacylase; plus strand), SPATA22 (spermatogenesis associated 22; minus strand). Cytogenetic location: 17p13.2.
Variant type: single nucleotide variant.
Coding change: c.815T>C on transcript NM_000049.4 (MANE Select); coding-DNA position 815, T replaced by C.
Protein change: p.Leu272Pro; replaces leucine 272 with proline.
Molecular consequence: missense variant. On other transcripts: intron variant (2).
Genome position (GRCh38, 1-based): chr17:3,498,961, T>C. VCF-style: chr17-3498961-T-C. GRCh37 (hg19) VCF-style: chr17-3402255-T-C.
Other names: c.815T>C, p.Leu272Pro (NM_001128085.1); c.-74+14451A>G (NM_001321336.2, NM_001321337.2); short protein forms L272P.
Identifiers: ClinVar variation 4818510 (VCV004818510.1).